The following is an entry in ClinVar:

ClinVar aggregate classification (germline): Pathogenic (1 of 4 stars; one submission).

Conditions:
Hereditary nonpolyposis colorectal neoplasms. Identifiers: MedGen C0009405, MeSH D003123.

Submission:

Labcorp Genetics (formerly Invitae), Labcorp
Classification: Pathogenic for Hereditary nonpolyposis colorectal neoplasms. Last evaluated: 2022-09-26. Review status: criteria provided, single submitter. Criteria: Invitae Variant Classification Sherloc (09022015). Collection method: clinical testing. Allele origin: germline.
Comment: This variant is a gross deletion of the genomic region encompassing exon(s) 2-9 of the PMS2 gene. This deletion is out-of-frame, and is expected to create a premature termination codon and result in an absent or disrupted protein product. Loss-of-function variants in PMS2 are known to be pathogenic (PMID: 21376568, 24362816). A similar copy number variant has been observed in individual(s) with clinical features of PMS2-related conditions (PMID: 26320870). For these reasons, this variant has been classified as Pathogenic.

Literature cited by the submitters: PubMed 21376568; PubMed 24362816; PubMed 26320870.

NC_000007.14:g.(?_5991963)_(6006041_?)del

Gene: PMS2 (PMS1 homolog 2, mismatch repair system component; minus strand). Cytogenetic location: 7p22.1.
Variant type: Deletion.
Identifiers: ClinVar variation 833043 (VCV000833043.5).